The following is an entry in ClinVar:

NM_001367871.1(FBRSL1):c.2202-7C>T

Gene: FBRSL1 (fibrosin like 1; plus strand). Cytogenetic location: 12q24.33.
Variant type: single nucleotide variant.
Coding change: c.2202-7C>T on transcript NM_001367871.1 (MANE Select); 7 bases into the intron before coding-DNA position 2202, C replaced by T.
Molecular consequence: intron variant.
Genome position (GRCh38, 1-based): chr12:132,582,964, C>T. VCF-style: chr12-132582964-C-T. GRCh37 (hg19) VCF-style: chr12-133159550-C-T.
Other names: c.2256-7C>T (NM_001382739.1); c.2331-7C>T (NM_001142641.2); c.1581-7C>T (NM_001382740.1).
Identifiers: ClinVar variation 4882799 (VCV004882799.2).

ClinVar aggregate classification (germline): Uncertain significance (1 of 4 stars; one submission).

Conditions:
Syndromic complex neurodevelopmental disorder. Identifiers: MedGen CN372091, MONDO:0800439.

gnomAD v4.1: 21 of 1,408,796 alleles (0.0015%); highest among the groups gnomAD compares: Non-Finnish European, 0.0018%; no homozygotes.

Submission:

Dasa
Classification: Uncertain significance for Syndromic complex neurodevelopmental disorder. Last evaluated: 2026-01-07. Review status: criteria provided, single submitter. Criteria: DASA Assertion Criteria. Collection method: clinical testing. Allele origin: germline.
Comment: NM_001367871.1(FBRSL1):c.2202-7C>T is a splice-region variant. This variant is rare in population databases. Computational prediction algorithms are consistent with a benign effect. The currently available literature and clinical evidence are not sufficient to establish a definitive association between this variant and the reported condition. Therefore, this variant is classified as a variant of uncertain significance.